The following is an entry in ClinVar:

ClinVar aggregate classification (germline): Uncertain significance (1 of 4 stars; one submission).

Conditions:
Hereditary cancer-predisposing syndrome. Also called: Tumor predisposition; Hereditary Cancer Syndrome; Hereditary neoplastic syndrome; Neoplastic Syndromes, Hereditary. Identifiers: Orphanet 140162, MedGen C0027672, MeSH D009386, MONDO:0015356.

Submission:

Ambry Genetics
Classification: Uncertain significance for Hereditary cancer-predisposing syndrome. Last evaluated: 2026-01-07. Review status: criteria provided, single submitter. Criteria: Ambry Variant Classification Scheme 2023. Collection method: clinical testing. Allele origin: germline.
Comment: The c.6026_6027delAC variant, located in coding exon 44 of the POLE gene, results from a deletion of two nucleotides at nucleotide positions 6026 to 6027, causing a translational frameshift with a predicted alternate stop codon (p.H2009Lfs*49). This alteration is expected to result in loss of function by premature protein truncation or nonsense-mediated mRNA decay. Although biallelic loss of function of POLE has been associated with autosomal recessive POLE deficiency, haploinsufficiency of POLE has not been established as a mechanism of disease for POLE-related polymerase proofreading-associated polyposis (PPAP) and POLE-related CMMRD-like syndrome. Based on the supporting evidence, this variant is expected to be causative of POLE deficiency when present along with a second pathogenic variant on the other allele; however, its clinical significance for PPAP and POLE-related CMMRD-like syndrome is unclear.

NM_006231.4(POLE):c.6026_6027del (p.His2009fs)

Gene: POLE (DNA polymerase epsilon, catalytic subunit; minus strand). Cytogenetic location: 12q24.33.
Variant type: Deletion.
Coding change: c.6026_6027del on transcript NM_006231.4 (MANE Select); coding-DNA positions 6026 to 6027, 2 bases deleted (AC; older notation c.6026_6027delAC).
Protein change: p.His2009fs; shifts the reading frame from histidine 2009.
Molecular consequence: frameshift variant.
Genome position (GRCh38, 1-based): chr12:132,632,773-132,632,774, GT deleted on the plus strand (AC on the coding strand, the reverse complement: POLE is on the minus strand); deleting any 2 consecutive bases within chr12:132,632,773-132,632,775 gives the same sequence; the c. name uses the placement nearest the transcript's 3' end. VCF-style (leftmost placement, unchanged base first): chr12-132632772-AGT-A. GRCh37 (hg19) VCF-style: chr12-133209358-AGT-A.
Other names: short protein forms H2009fs.
Identifiers: ClinVar variation 1751147 (VCV001751147.3), dbSNP rs2138465301, ClinGen allele CA2580086158.